The following is an entry in ClinVar:

NM_001376.5(DYNC1H1):c.13546G>A (p.Val4516Met)

Gene: DYNC1H1 (dynein cytoplasmic 1 heavy chain 1; plus strand). Cytogenetic location: 14q32.31.
Variant type: single nucleotide variant.
Coding change: c.13546G>A on transcript NM_001376.5 (MANE Select); coding-DNA position 13546, G replaced by A.
Protein change: p.Val4516Met; replaces valine 4516 with methionine.
Molecular consequence: missense variant.
Genome position (GRCh38, 1-based): chr14:102,049,744, G>A. VCF-style: chr14-102049744-G-A. GRCh37 (hg19) VCF-style: chr14-102516081-G-A.
Other names: short protein forms V4516M.
Identifiers: ClinVar variation 1219422 (VCV001219422.6), dbSNP rs1158295938, ClinGen allele CA391050086.

ClinVar aggregate classification (germline): Conflicting classifications of pathogenicity. Review status: criteria provided, conflicting classifications (1 of 4 stars). 2 submissions from 2 submitters: Uncertain significance (1); Likely benign (1). Last evaluated 2025-02-16.

Conditions:
Charcot-Marie-Tooth disease axonal type 2O. Also called: Charcot-Marie-Tooth Neuropathy Type 2O; Charcot-Marie-Tooth disease, axonal, type 20; CHARCOT-MARIE-TOOTH NEUROPATHY, AXONAL, TYPE 2O; CHARCOT-MARIE-TOOTH DISEASE, AXONAL, AUTOSOMAL DOMINANT, TYPE 2O. Identifiers: Orphanet 284232, MedGen C3280220, MONDO:0013644, OMIM 614228.

Allele frequency attached by ClinVar (database versions not stated): gnomAD exomes below 0.00001; TOPMed 0.00001; gnomAD 0.00001.
gnomAD v4.1: 3 of 1,613,754 alleles (0.00019%); highest among the groups gnomAD compares: Admixed American, 0.0017%; no homozygotes.

Submissions (2):

Labcorp Genetics (formerly Invitae), Labcorp
Classification: Likely benign for Charcot-Marie-Tooth disease axonal type 2O. Last evaluated: 2025-02-16. Review status: criteria provided, single submitter. Criteria: Invitae Variant Classification Sherloc (09022015). Collection method: clinical testing. Allele origin: germline.

GeneDx
Classification: Uncertain significance. Last evaluated: 2019-07-19. Review status: criteria provided, single submitter. Criteria: GeneDx Variant Classification Process June 2021. Collection method: clinical testing. Allele origin: germline. Affected: yes.
Comment: In silico analysis, which includes protein predictors and evolutionary conservation, supports that this variant does not alter protein structure/function; Has not been previously published as pathogenic or benign to our knowledge